The following is an entry in ClinVar:

ClinVar aggregate classification (germline): Pathogenic. Review status: criteria provided, multiple submitters, no conflicts (2 of 4 stars). 2 submissions from 2 submitters: Pathogenic (2). Last evaluated 2023-05-22.

Conditions:
Ataxia-telangiectasia syndrome (AT). Also called: LOUIS-BAR SYNDROME; Cerebello-oculocutaneous telangiectasia; Immunodeficiency with ataxia telangiectasia; Ataxia-telangiectasia, complementation group D; AT, COMPLEMENTATION GROUP C; Ataxia-telangiectasia, complementation group E. Identifiers: Orphanet 100, MedGen C0004135, MONDO:0008840, OMIM 208900.

Submissions (2):

Labcorp Genetics (formerly Invitae), Labcorp
Classification: Pathogenic for Ataxia-telangiectasia syndrome. Last evaluated: 2023-05-22. Review status: criteria provided, single submitter. Criteria: Invitae Variant Classification Sherloc (09022015). Collection method: clinical testing. Allele origin: germline.
Comment: For these reasons, this variant has been classified as Pathogenic. ClinVar contains an entry for this variant (Variation ID: 449919). This variant has not been reported in the literature in individuals affected with ATM-related conditions. This variant is not present in population databases (gnomAD no frequency). This sequence change creates a premature translational stop signal (p.Trp2109*) in the ATM gene. It is expected to result in an absent or disrupted protein product. Loss-of-function variants in ATM are known to be pathogenic (PMID: 23807571, 25614872).

GeneDx
Classification: Pathogenic. Last evaluated: 2017-04-05. Review status: criteria provided, single submitter. Criteria: GeneDx Variant Classification (06012015). Collection method: clinical testing. Allele origin: germline. Affected: yes.
Comment: This variant is denoted ATM c.6327G>A at the cDNA level and p.Trp2109Ter (W2109X) at the proteinlevel. The substitution creates a nonsense variant, which changes a Tryptophan to a premature stop codon(TGG>TGA), and is predicted to cause loss of normal protein function through either protein truncation or nonsense-mediated mRNA decay. Although this variant has not, to our knowledge, been reported in the literature, the adjacentvariant ATM c.6326G>A, which also results in a premature stop codon at this residue (Trp2109Ter), has been reportedin the compound heterozygous state in an individual with ataxia-telangiectasia (Cavalieri 2013). We consider thisvariant to be pathogenic

Literature cited by the submitters: PubMed 23807571 (cited by Labcorp Genetics (formerly Invitae), Labcorp); PubMed 25614872 (cited by Labcorp Genetics (formerly Invitae), Labcorp).

NM_000051.4(ATM):c.6327G>A (p.Trp2109Ter)

Genes: ATM (ATM serine/threonine kinase; plus strand), C11orf65 (chromosome 11 open reading frame 65; minus strand). Cytogenetic location: 11q22.3.
Variant type: single nucleotide variant.
Coding change: c.6327G>A on transcript NM_000051.4 (MANE Select); coding-DNA position 6327, G replaced by A.
Protein change: p.Trp2109Ter; replaces tryptophan 2109 with a stop codon.
Molecular consequence: nonsense. On other transcripts: intron variant (2).
Genome position (GRCh38, 1-based): chr11:108,317,501, G>A. VCF-style: chr11-108317501-G-A. GRCh37 (hg19) VCF-style: chr11-108188228-G-A.
Other names: c.6327G>A, p.Trp2109Ter (NM_001351834.2); c.641-8430C>T (NM_001330368.2); c.*39-8430C>T (NM_001351110.2); short protein forms W2109*.
Identifiers: ClinVar variation 449919 (VCV000449919.7), dbSNP rs867760244, ClinGen allele CA382552243.